The following is an entry in ClinVar:

ClinVar aggregate classification (germline): Uncertain significance (1 of 4 stars; one submission).

Allele frequency attached by ClinVar (database versions not stated): gnomAD exomes below 0.00001 and 0.00001; ExAC 0.00002; gnomAD 0.00002; TOPMed 0.00002.
gnomAD v4.1: 5 of 1,611,726 alleles (0.00031%); highest among the groups gnomAD compares: African/African-American, 0.0067%; no homozygotes.

Submission:

Labcorp Genetics (formerly Invitae), Labcorp
Classification: Uncertain significance. Last evaluated: 2025-02-24. Review status: criteria provided, single submitter. Criteria: Invitae Variant Classification Sherloc (09022015). Collection method: clinical testing. Allele origin: germline.
Comment: This sequence change replaces alanine, which is neutral and non-polar, with proline, which is neutral and non-polar, at codon 196 of the TUB protein (p.Ala196Pro). This variant is present in population databases (rs765847447, gnomAD 0.01%). This variant has not been reported in the literature in individuals affected with TUB-related conditions. ClinVar contains an entry for this variant (Variation ID: 1461339). An algorithm developed to predict the effect of missense changes on protein structure and function (PolyPhen-2) suggests that this variant is likely to be disruptive. In summary, the available evidence is currently insufficient to determine the role of this variant in disease. Therefore, it has been classified as a Variant of Uncertain Significance.

NM_177972.3(TUB):c.421G>C (p.Ala141Pro)

Genes: RIC3 (RIC3 acetylcholine receptor chaperone; minus strand), TUB (TUB bipartite transcription factor; plus strand). Cytogenetic location: 11p15.4.
Variant type: single nucleotide variant.
Coding change: c.421G>C on transcript NM_177972.3 (MANE Select); coding-DNA position 421, G replaced by C.
Protein change: p.Ala141Pro; replaces alanine 141 with proline.
Molecular consequence: missense variant.
Genome position (GRCh38, 1-based): chr11:8,095,521, G>C. VCF-style: chr11-8095521-G-C. GRCh37 (hg19) VCF-style: chr11-8117068-G-C.
Other names: c.586G>C, p.Ala196Pro (NM_003320.5); short protein forms A141P, A196P.
Identifiers: ClinVar variation 1461339 (VCV001461339.8), dbSNP rs765847447, ClinGen allele CA5871099.